The following is an entry in ClinVar:

ClinVar aggregate classification (germline): Uncertain significance (1 of 4 stars; one submission).

Conditions:
Atrial standstill 1 (ATRST1). Also called: Atrial standstill, digenic (GJA5/SCN5A); ATRIAL CARDIOMYOPATHY WITH HEART BLOCK; CARDIOMYOPATHY, FAMILIAL, WITH CONDUCTION DISTURBANCE. Identifiers: Orphanet 1344, MedGen C4551959, MONDO:0007171, OMIM 108770.
Atrial fibrillation, familial, 11 (ATFB11). Identifiers: MedGen C3279693, MONDO:0013544, OMIM 614049.

Allele frequency attached by ClinVar (database versions not stated): gnomAD 0.00001.
gnomAD v4.1: 8 of 1,614,028 alleles (0.0005%); highest among the groups gnomAD compares: Non-Finnish European, 0.00059%; no homozygotes.

Submission:

Labcorp Genetics (formerly Invitae), Labcorp
Classification: Uncertain significance for Atrial fibrillation, familial, 11; Atrial standstill 1. Last evaluated: 2023-03-19. Review status: criteria provided, single submitter. Criteria: Invitae Variant Classification Sherloc (09022015). Collection method: clinical testing. Allele origin: germline.
Comment: This sequence change replaces lysine, which is basic and polar, with asparagine, which is neutral and polar, at codon 341 of the GJA5 protein (p.Lys341Asn). This variant is present in population databases (no rsID available, gnomAD 0.007%). This variant has not been reported in the literature in individuals affected with GJA5-related conditions. ClinVar contains an entry for this variant (Variation ID: 2156886). Experimental studies and prediction algorithms are not available or were not evaluated, and the functional significance of this variant is currently unknown. In summary, the available evidence is currently insufficient to determine the role of this variant in disease. Therefore, it has been classified as a Variant of Uncertain Significance.

NM_181703.4(GJA5):c.1023G>C (p.Lys341Asn)

Gene: GJA5 (gap junction protein alpha 5; minus strand). Cytogenetic location: 1q21.2.
Variant type: single nucleotide variant.
Coding change: c.1023G>C on transcript NM_181703.4 (MANE Select); coding-DNA position 1023, G replaced by C.
Protein change: p.Lys341Asn; replaces lysine 341 with asparagine.
Molecular consequence: missense variant.
Genome position (GRCh38, 1-based): chr1:147,758,216, C>G on the plus strand (G>C on the coding strand, the complement: GJA5 is on the minus strand). VCF-style: chr1-147758216-C-G. GRCh37 (hg19) VCF-style: chr1-147230324-C-G.
Other names: c.1023G>C, p.Lys341Asn (NM_005266.7); short protein forms K341N.
Identifiers: ClinVar variation 2156886 (VCV002156886.4), dbSNP rs145008952, ClinGen allele CA342393571.